The following is an entry in ClinVar:

ClinVar aggregate classification (germline): Conflicting classifications of pathogenicity. Review status: criteria provided, conflicting classifications (1 of 4 stars). 8 submissions from 8 submitters: Uncertain significance (5); Likely benign (1). 2 of the submissions do not count toward it. Last evaluated 2025-11-03.

Conditions:
MUTYH-related disorder. Also called: MUTYH-related disorders; MUTYH-related condition.
Hereditary cancer-predisposing syndrome. Also called: Hereditary Cancer Syndrome; Tumor predisposition; Neoplastic Syndromes, Hereditary; Hereditary neoplastic syndrome. Identifiers: Orphanet 140162, MedGen C0027672, MeSH D009386, MONDO:0015356.
Familial adenomatous polyposis 2. Also called: COLORECTAL ADENOMATOUS POLYPOSIS, AUTOSOMAL RECESSIVE; MYH-associated polyposis; ADENOMAS, MULTIPLE COLORECTAL, AUTOSOMAL RECESSIVE; MUTYH-associated polyposis; FAP type 2; Adenomas, multiple colorectal. Identifiers: Orphanet 220460, Orphanet 247798, MedGen C3272841, MONDO:0012041, OMIM 608456.

Allele frequency attached by ClinVar (database versions not stated): TOPMed below 0.00001; gnomAD 0.00001.

Submissions (9):

Labcorp Genetics (formerly Invitae), Labcorp
Classification: Likely benign for Familial adenomatous polyposis 2. Last evaluated: 2025-11-03. Review status: criteria provided, single submitter. Criteria: Invitae Variant Classification Sherloc (09022015). Collection method: clinical testing. Allele origin: germline.

All of Us Research Program, National Institutes of Health
Classification: Uncertain significance for Familial adenomatous polyposis 2. Last evaluated: 2023-08-28. Review status: criteria provided, single submitter. Criteria: ACMG Guidelines, 2015. Collection method: clinical testing. Allele origin: germline. Inheritance: Autosomal recessive inheritance. Observed: 1 variant allele, 1 heterozygote.
Comment: This variant causes a C to A nucleotide substitution at the -7 position of intron 4 of the MUTYH gene. To our knowledge, functional studies have not been reported for this variant. This variant has not been reported in individuals affected with MUTYH-related disorders in the literature. This variant has been identified in 1/251360 chromosomes in the general population by the Genome Aggregation Database (gnomAD). The available evidence is insufficient to determine the role of this variant in disease conclusively. Therefore, this variant is classified as a Variant of Uncertain Significance.

This study involves interpretation of variants in research participants for the purpose of population health screening. Participant phenotype was not available at the time of variant classification. Additional details can be found in publication PMID: 35346344, PMCID: PMC8962531

Color Diagnostics, LLC DBA Color Health
Classification: Uncertain significance for Hereditary cancer-predisposing syndrome. Last evaluated: 2023-08-18. Review status: criteria provided, single submitter. Criteria: ACMG Guidelines, 2015. Collection method: clinical testing. Allele origin: germline.
Comment: This variant causes a C to A nucleotide substitution at the -7 position of intron 4 of the MUTYH gene. To our knowledge, functional studies have not been reported for this variant. This variant has not been reported in individuals affected with MUTYH-related disorders in the literature. This variant has been identified in 1/251360 chromosomes in the general population by the Genome Aggregation Database (gnomAD). The available evidence is insufficient to determine the role of this variant in disease conclusively. Therefore, this variant is classified as a Variant of Uncertain Significance.

Sema4
Classification: Uncertain significance for Hereditary cancer-predisposing syndrome. Last evaluated: 2021-10-25. Review status: criteria provided, single submitter. Criteria: Sema4 Curation Guidelines. Collection method: curation. Allele origin: germline.
Comment: The MUTYH c.389-7C>A variant has not been reported in the literature to our knowledge. This variant was observed in 1/113656 chromosomes in the Non-Finnish European population according to the Genome Aggregation Database (PMID: 32461654). This variant has been reported in ClinVar (Variation ID: 216521). Algorithms developed to predict the effect of sequence changes on RNA splicing suggest negative effect, though these predictions have not been confirmed by functional studies. The evidence is insufficient to meet ACMG/AMP criteria for classifying the variant as benign or pathogenic. Thus, the clinical significance of this variant is currently uncertain.

Illumina Laboratory Services, Illumina
Classification: Uncertain significance for Familial adenomatous polyposis 2. Last evaluated: 2018-01-13. Review status: criteria provided, single submitter. Criteria: ICSL Variant Classification Criteria 13 December 2019. Collection method: clinical testing. Allele origin: germline.

GeneDx
Classification: Uncertain significance. Last evaluated: 2016-03-02. Review status: criteria provided, single submitter. Criteria: GeneDx Variant Classification (06012015). Collection method: clinical testing. Allele origin: germline. Affected: yes.
Comment: This variant is denoted MUTYH c.389-7C>A or IVS4-7C>A and consists of a C>A nucleotide substitution at the -7 position of intron 4 of the MUTYH gene. Multiple in silico models predict this variant to damage the nearby natural acceptor site and to possibly cause abnormal gene splicing; however, in the absence of RNA or functional studies, the actual effect of this variant is unknown. This variant has not, to our knowledge, been published in the literature as pathogenic or benign. MUTYH c.389-7C>A was not observed in approximately 6,500 individuals of European and African American ancestry in the NHLBI Exome Sequencing Project, suggesting it is not a common benign variant in these populations. The cytosine (C) nucleotide that is altered is not conserved. Based on currently available information, it is unclear whether MUTYH c.389-7C>A is pathogenic or benign. We consider it to be a variant of uncertain significance. Of note, MUTYH-Associated Polyposis (MAP) is a recessive condition associated with two pathogenic variants on opposite chromosomes in MUTYH.

PreventionGenetics, part of Exact Sciences
Classification: Likely benign for MUTYH-related condition. Last evaluated: 2023-10-18. Review status: no assertion criteria provided. Collection method: clinical testing. Allele origin: germline. Not counted in ClinVar's aggregate classification.
Comment: This variant is classified as likely benign based on ACMG/AMP sequence variant interpretation guidelines (Richards et al. 2015 PMID: 25741868, with internal and published modifications).

Counsyl
Classification: Likely benign for Familial adenomatous polyposis 2. Last evaluated: 2018-03-28. Review status: no assertion criteria provided. Collection method: clinical testing. Allele origin: unknown. Not counted in ClinVar's aggregate classification.

Dr. Peter K. Rogan Lab, Western University
No classification provided (evidence only). Condition: Ovarian serous cystadenocarcinoma. Review status: no classification provided. Collection method: in vitro. Allele origin: not applicable. Functional consequence: retained intron. Not counted in ClinVar's aggregate classification.

NM_001048174.2(MUTYH):c.305-7C>A

Gene: MUTYH (mutY DNA glycosylase; minus strand). Cytogenetic location: 1p34.1.
Variant type: single nucleotide variant.
Coding change: c.305-7C>A on transcript NM_001048174.2 (MANE Select); 7 bases into the intron before coding-DNA position 305, C replaced by A.
Molecular consequence: intron variant.
Genome position (GRCh38, 1-based): chr1:45,333,177, G>T on the plus strand (C>A on the coding strand, the complement: MUTYH is on the minus strand). VCF-style: chr1-45333177-G-T. GRCh37 (hg19) VCF-style: chr1-45798849-G-T.
Other names: c.33+108C>A (NM_001350651.2, NM_001350650.2); c.29-7C>A (NM_001293192.2, NM_001293196.2); c.305-7C>A (NM_001048171.2, NM_001048173.2, NM_001293195.2); c.350-7C>A (NM_001293190.2); c.380-7C>A (NM_012222.3); c.389-7C>A (NM_001128425.2); c.308-7C>A (NM_001048172.2); c.338-7C>A (NM_001293191.2).
Identifiers: ClinVar variation 216521 (VCV000216521.25), dbSNP rs863224698, ClinGen allele CA335792.